The following is an entry in ClinVar:

ClinVar aggregate classification (germline): Uncertain significance. Review status: criteria provided, single submitter (1 of 4 stars). 2 submissions from 2 submitters: Uncertain significance (1). 1 of the submissions does not count toward it. Last evaluated 2026-04-14.

Submissions (2):

GeneDx
Classification: Uncertain significance. Last evaluated: 2026-04-14. Review status: criteria provided, single submitter. Criteria: GeneDx Variant Classification Process June 2021. Collection method: clinical testing. Allele origin: germline.
Comment: Not observed at significant frequency in large population cohorts (gnomAD); In silico analysis supports that this missense variant has a deleterious effect on protein structure/function; Has not been previously published as pathogenic or benign to our knowledge

Genetic Services Laboratory, University of Chicago
Classification: Uncertain significance. Last evaluated: 2022-08-22. Review status: no assertion criteria provided. Collection method: clinical testing. Allele origin: germline. Affected: no. Not counted in ClinVar's aggregate classification.
Comment: DNA sequence analysis of the ARID1A gene demonstrated a sequence change, c.6169C>T, in exon 20 that results in an amino acid change, p.Arg2057Trp. This sequence change does not appear to have been previously described in individuals with ARID1A-related disorders and has also not been described in population databases such as ExAC and gnomAD. The p.Arg2057Trp change affects a highly conserved amino acid residue located in a domain of the ARID1A protein that is known to be functional. In-silico pathogenicity prediction tools (SIFT, PolyPhen2, Align GVGD, REVEL) provide contradictory results for the p.Arg2057Trp substitution. Due to insufficient evidences and the lack of functional studies, the clinical significance of the p.Arg2057Trp change remains unknown at this time.

NM_006015.6(ARID1A):c.6169C>T (p.Arg2057Trp)

Gene: ARID1A (AT-rich interaction domain 1A; plus strand). Cytogenetic location: 1p36.11.
Variant type: single nucleotide variant.
Coding change: c.6169C>T on transcript NM_006015.6 (MANE Select); coding-DNA position 6169, C replaced by T.
Protein change: p.Arg2057Trp; replaces arginine 2057 with tryptophan.
Molecular consequence: missense variant.
Genome position (GRCh38, 1-based): chr1:26,780,067, C>T. VCF-style: chr1-26780067-C-T. GRCh37 (hg19) VCF-style: chr1-27106558-C-T.
Other names: c.5518C>T, p.Arg1840Trp (NM_139135.4); short protein forms R1840W, R2057W.
Identifiers: ClinVar variation 2443227 (VCV002443227.3), dbSNP rs2124146464, ClinGen allele CA339190487.